The following is an entry in ClinVar:

ClinVar aggregate classification (germline): Pathogenic (1 of 4 stars; one submission).

Conditions:
Polycystic kidney disease, adult type (PKD1). Also called: Polycystic Kidney, Autosomal Dominant; POLYCYSTIC KIDNEY DISEASE 1 WITH OR WITHOUT POLYCYSTIC LIVER DISEASE; POLYCYSTIC KIDNEY DISEASE, ADULT, TYPE I; Polycystic Kidney Disease 1, Autosomal Dominant; Polycystic kidney disease 1; Polycystic kidney disease 1, severe. Identifiers: MedGen C3149841, MONDO:0008263, OMIM 173900.

Submission:

Juno Genomics, Hangzhou Juno Genomics, Inc
Classification: Pathogenic for Polycystic kidney disease, adult type. Review status: criteria provided, single submitter. Criteria: ACMG Guidelines, 2015. Collection method: clinical testing. Allele origin: germline. Affected: yes.
Comment: Null variant in a gene where loss of function (LOF) is a known mechanism of disease.;Absent from controls (or at extremely low frequency if recessive) in Genome Aggregation Database, Exome Sequencing Project, 1000 Genomes Project, or Exome Aggregation Consortium.;Patient's phenotype or family history is highly specific for a disease with a single genetic etiology.

NM_001009944.3(PKD1):c.5644_5645del (p.Thr1882fs)

Gene: PKD1 (polycystin 1, transient receptor potential channel interacting; minus strand). Cytogenetic location: 16p13.3.
Variant type: Deletion.
Coding change: c.5644_5645del on transcript NM_001009944.3 (MANE Select); coding-DNA positions 5644 to 5645, 2 bases deleted (AC; older notation c.5644_5645delAC).
Protein change: p.Thr1882fs; shifts the reading frame from threonine 1882.
Molecular consequence: frameshift variant.
Genome position (GRCh38, 1-based): chr16:2,109,522-2,109,523, GT deleted on the plus strand (AC on the coding strand, the reverse complement: PKD1 is on the minus strand); deleting any 2 consecutive bases within chr16:2,109,522-2,109,524 gives the same sequence; the c. name uses the placement nearest the transcript's 3' end. VCF-style (leftmost placement, unchanged base first): chr16-2109521-CGT-C. GRCh37 (hg19) VCF-style: chr16-2159522-CGT-C.
Other names: c.5644_5645del, p.Thr1882fs (NM_000296.4); short protein forms T1882fs.
Identifiers: ClinVar variation 3335820 (VCV003335820.2).